The following is an entry in ClinVar:

ClinVar aggregate classification (germline): Uncertain significance (1 of 4 stars; one submission).

Submission:

Labcorp Genetics (formerly Invitae), Labcorp
Classification: Uncertain significance. Last evaluated: 2022-03-18. Review status: criteria provided, single submitter. Criteria: Invitae Variant Classification Sherloc (09022015). Collection method: clinical testing. Allele origin: germline.
Comment: In summary, the available evidence is currently insufficient to determine the role of this variant in disease. Therefore, it has been classified as a Variant of Uncertain Significance. Algorithms developed to predict the effect of missense changes on protein structure and function are either unavailable or do not agree on the potential impact of this missense change (SIFT: "Not Available"; PolyPhen-2: "Possibly Damaging"; Align-GVGD: "Not Available"). This sequence change replaces phenylalanine, which is neutral and non-polar, with leucine, which is neutral and non-polar, at codon 493 of the HYOU1 protein (p.Phe493Leu). This variant is not present in population databases (gnomAD no frequency). This variant has not been reported in the literature in individuals affected with HYOU1-related conditions.

NM_006389.5(HYOU1):c.1479C>G (p.Phe493Leu)

Gene: HYOU1 (hypoxia up-regulated 1; minus strand). Cytogenetic location: 11q23.3.
Variant type: single nucleotide variant.
Coding change: c.1479C>G on transcript NM_006389.5 (MANE Select); coding-DNA position 1479, C replaced by G.
Protein change: p.Phe493Leu; replaces phenylalanine 493 with leucine.
Molecular consequence: missense variant.
Genome position (GRCh38, 1-based): chr11:119,051,485, G>C on the plus strand (C>G on the coding strand, the complement: HYOU1 is on the minus strand). VCF-style: chr11-119051485-G-C. GRCh37 (hg19) VCF-style: chr11-118922197-G-C.
Other names: c.1479C>G, p.Phe493Leu (NM_001130991.3, NM_001411041.1); short protein forms F493L.
Identifiers: ClinVar variation 2099570 (VCV002099570.4), dbSNP rs1279603968, ClinGen allele CA382937374.